The following is an entry in ClinVar:

ClinVar aggregate classification (germline): Uncertain significance (1 of 4 stars; one submission).

Conditions:
Cardiovascular phenotype. Identifiers: MedGen CN230736.

Submission:

Ambry Genetics
Classification: Uncertain significance for Cardiovascular phenotype. Last evaluated: 2026-03-12. Review status: criteria provided, single submitter. Criteria: Ambry Variant Classification Scheme 2023. Collection method: clinical testing. Allele origin: germline.
Comment: The p.L160M variant (also known as c.478C>A), located in coding exon 4 of the LIPA gene, results from a C to A substitution at nucleotide position 478. The leucine at codon 160 is replaced by methionine, an amino acid with highly similar properties. This amino acid position is conserved. In addition, this alteration is predicted to be tolerated by in silico analysis. Based on the available evidence, the clinical significance of this variant remains unclear.

NM_000235.4(LIPA):c.478C>A (p.Leu160Met)

Gene: LIPA (lipase A, lysosomal acid type; minus strand). Cytogenetic location: 10q23.31.
Variant type: single nucleotide variant.
Coding change: c.478C>A on transcript NM_000235.4 (MANE Select); coding-DNA position 478, C replaced by A.
Protein change: p.Leu160Met; replaces leucine 160 with methionine.
Molecular consequence: missense variant.
Genome position (GRCh38, 1-based): chr10:89,226,955, G>T on the plus strand (C>A on the coding strand, the complement: LIPA is on the minus strand). VCF-style: chr10-89226955-G-T. GRCh37 (hg19) VCF-style: chr10-90986712-G-T.
Other names: c.478C>A, p.Leu160Met (NM_001127605.3, NM_001440818.1, NM_001440819.1 and 16 more transcripts); c.130C>A, p.Leu44Met (NM_001288979.2); c.610C>A, p.Leu204Met (NM_001440836.1); c.499C>A, p.Leu167Met (NM_001440837.1); c.493C>A, p.Leu165Met (NM_001440838.1); c.310C>A, p.Leu104Met (NM_001440839.1); short protein forms L104M, L44M, L160M, L167M, L165M, L204M.
Identifiers: ClinVar variation 4826952 (VCV004826952.1).